The following is an entry in ClinVar:

NM_001089.3(ABCA3):c.143C>A (p.Ser48Ter)

Gene: ABCA3 (ATP binding cassette subfamily A member 3; minus strand). Cytogenetic location: 16p13.3.
Variant type: single nucleotide variant.
Coding change: c.143C>A on transcript NM_001089.3 (MANE Select); coding-DNA position 143, C replaced by A.
Protein change: p.Ser48Ter; replaces serine 48 with a stop codon.
Molecular consequence: nonsense.
Genome position (GRCh38, 1-based): chr16:2,326,186, G>T on the plus strand (C>A on the coding strand, the complement: ABCA3 is on the minus strand). VCF-style: chr16-2326186-G-T. GRCh37 (hg19) VCF-style: chr16-2376187-G-T.
Other names: short protein forms S48*.
Identifiers: ClinVar variation 2841559 (VCV002841559.3), dbSNP rs763721411, ClinGen allele CA394352621.

ClinVar aggregate classification (germline): Pathogenic (1 of 4 stars; one submission).

gnomAD v4.1: 2 of 1,614,134 alleles (0.00012%); highest among the groups gnomAD compares: Non-Finnish European, 0.00017%; no homozygotes.

Submission:

Labcorp Genetics (formerly Invitae), Labcorp
Classification: Pathogenic. Last evaluated: 2024-02-27. Review status: criteria provided, single submitter. Criteria: Invitae Variant Classification Sherloc (09022015). Collection method: clinical testing. Allele origin: germline.
Comment: This sequence change creates a premature translational stop signal (p.Ser48*) in the ABCA3 gene. It is expected to result in an absent or disrupted protein product. Loss-of-function variants in ABCA3 are known to be pathogenic (PMID: 27516224). This variant is not present in population databases (gnomAD no frequency). This variant has not been reported in the literature in individuals affected with ABCA3-related conditions. For these reasons, this variant has been classified as Pathogenic.

Literature cited by the submitters: PubMed 27516224.